The following is an entry in ClinVar:

NM_145798.3(OSBPL7):c.1534G>A (p.Glu512Lys)

Gene: OSBPL7 (oxysterol binding protein like 7; minus strand). Cytogenetic location: 17q21.32.
Variant type: single nucleotide variant.
Coding change: c.1534G>A on transcript NM_145798.3 (MANE Select); coding-DNA position 1534, G replaced by A.
Protein change: p.Glu512Lys; replaces glutamic acid 512 with lysine.
Molecular consequence: missense variant.
Genome position (GRCh38, 1-based): chr17:47,813,652, C>T on the plus strand (G>A on the coding strand, the complement: OSBPL7 is on the minus strand). VCF-style: chr17-47813652-C-T. GRCh37 (hg19) VCF-style: chr17-45891018-C-T.
Other names: short protein forms E512K.
Identifiers: ClinVar variation 4861440 (VCV004861440.1).
Genomic context (GRCh38, chr17:47,813,652, plus strand): 5'-GCTCGCAGGGGTCGGCGATGCGGCTGGCCTGGTCCAGGAGGCTGCTGTACTCCAGCTCCT[C>T]GCAGAGCCGCTGCAGAGTGTTGAGCGGCTCGTTGAGCTGCACAGGCATTGACACCTTGGA-3'
Protein context (NP_665741.1, residues 502-522): EPLNTLQRLC[Glu512Lys]ELEYSSLLDQ

ClinVar aggregate classification (germline): Uncertain significance (1 of 4 stars; one submission).

gnomAD v4.1: 4 of 1,613,164 alleles (0.00025%); highest among the groups gnomAD compares: Non-Finnish European, 0.00025%; no homozygotes.

Submission:

Ambry Genetics
Classification: Uncertain significance. Last evaluated: 2026-03-19. Review status: criteria provided, single submitter. Criteria: Ambry Variant Classification Scheme 2023. Collection method: clinical testing. Allele origin: germline.
Comment: The c.1534G>A (p.E512K) alteration is located in exon 15 (coding exon 14) of the OSBPL7 gene. This alteration results from a G to A substitution at nucleotide position 1534, causing the glutamic acid (E) at amino acid position 512 to be replaced by a lysine (K). Based on data from gnomAD, the A allele has an overall frequency of <0.001% (1/249842) total alleles studied. The highest observed frequency was 0.001% (1/112412) of European (non-Finnish) alleles. Based on insufficient or conflicting evidence, the clinical significance of this alteration remains unclear.